The following is an entry in ClinVar:

NM_001849.4(COL6A2):c.2689_2691del (p.Asn897del)

Gene: COL6A2 (collagen type VI alpha 2 chain; plus strand). Cytogenetic location: 21q22.3.
Variant type: Deletion.
Coding change: c.2689_2691del on transcript NM_001849.4 (MANE Select); coding-DNA positions 2689 to 2691, 3 bases deleted (AAC; older notation c.2689_2691delAAC).
Protein change: p.Asn897del; deletes asparagine 897.
Molecular consequence: inframe deletion.
Genome position (GRCh38, 1-based): chr21:46,132,181-46,132,183, AAC deleted; deleting any 3 consecutive bases within chr21:46,132,179-46,132,183 gives the same sequence; the c. name uses the placement nearest the transcript's 3' end. VCF-style (leftmost placement, unchanged base first): chr21-46132178-CACA-C. GRCh37 (hg19) VCF-style: chr21-47552092-CACA-C.
Other names: short protein forms N897del.
Identifiers: ClinVar variation 2737008 (VCV002737008.3), dbSNP rs2078769555, ClinGen allele CA1139655433.

ClinVar aggregate classification (germline): Uncertain significance (1 of 4 stars; one submission).

Conditions:
Bethlem myopathy 1A. Also called: Bethlem myopathy 1; Bethlem Muscular Dystrophy; MYOPATHY, BENIGN CONGENITAL, WITH CONTRACTURES. Identifiers: Orphanet 610, MedGen CN029274, MONDO:0024530, OMIM 158810.

Submission:

Labcorp Genetics (formerly Invitae), Labcorp
Classification: Uncertain significance for Bethlem myopathy 1A. Last evaluated: 2023-11-25. Review status: criteria provided, single submitter. Criteria: Invitae Variant Classification Sherloc (09022015). Collection method: clinical testing. Allele origin: germline.
Comment: This variant, c.2689_2691del, results in the deletion of 1 amino acid(s) of the COL6A2 protein (p.Asn897del), but otherwise preserves the integrity of the reading frame. This variant is not present in population databases (gnomAD no frequency). This variant has been observed in individual(s) with autosomal recessive Ullrich congenital muscular dystrophy (PMID: 15563506). Algorithms developed to predict the effect of variants on protein structure and function are not available or were not evaluated for this variant. Experimental studies have shown that this variant affects COL6A2 function (PMID: 25533456). In summary, the available evidence is currently insufficient to determine the role of this variant in disease. Therefore, it has been classified as a Variant of Uncertain Significance.

Literature cited by the submitters: PubMed 15563506; PubMed 25533456.